The following is an entry in ClinVar:

NM_001206927.2(DNAH8):c.3356A>G (p.Asp1119Gly)

Gene: DNAH8 (dynein axonemal heavy chain 8; plus strand). Cytogenetic location: 6p21.2.
Variant type: single nucleotide variant.
Coding change: c.3356A>G on transcript NM_001206927.2 (MANE Select); coding-DNA position 3356, A replaced by G.
Protein change: p.Asp1119Gly; replaces aspartic acid 1119 with glycine.
Molecular consequence: missense variant.
Genome position (GRCh38, 1-based): chr6:38,815,490, A>G. VCF-style: chr6-38815490-A-G. GRCh37 (hg19) VCF-style: chr6-38783266-A-G.
Other names: p.Asp1119Gly; c.2705A>G, p.Asp902Gly (NM_001371.4); short protein forms D1119G, D902G.
Identifiers: ClinVar variation 4541157 (VCV004541157.1).
Genomic context (GRCh38, chr6:38,815,490, plus strand): 5'-TGCCGGCAGTATTACACATTTGTTTCTTCTTTCCACAGGTGATGATTCCTAGTTTGGATG[A>G]CATTCAACAAGCCATTAACCGTATGATCCAGTTAACCCTGGAGGTCAGCAGAGGAGTGGC-3'
Protein context (NP_001193856.1, residues 1109-1129): PNVVMIPSLD[Asp1119Gly]IQQAINRMIQ

ClinVar aggregate classification (germline): Uncertain significance (1 of 4 stars; one submission).

Submission:

Mayo Clinic Laboratories, Mayo Clinic
Classification: Uncertain significance. Last evaluated: 2025-05-08. Review status: criteria provided, single submitter. Criteria: ACMG Guidelines, 2015. Collection method: clinical testing. Allele origin: germline. Observed: 1 variant allele.
Comment: PM2_supporting